The following is an entry in ClinVar:

ClinVar aggregate classification (germline): Uncertain significance (1 of 4 stars; one submission).

Conditions:
Inborn genetic diseases. Identifiers: MedGen C0950123, MeSH D030342.

Submission:

Ambry Genetics
Classification: Uncertain significance for Inborn genetic diseases. Last evaluated: 2023-07-27. Review status: criteria provided, single submitter. Criteria: Ambry Variant Classification Scheme 2023. Collection method: clinical testing. Allele origin: germline.
Comment: The p.M1355L variant (also known as c.4063A>T), located in coding exon 29 of the LRRK2 gene, results from an A to T substitution at nucleotide position 4063. The methionine at codon 1355 is replaced by leucine, an amino acid with highly similar properties. This amino acid position is conserved. In addition, this alteration is predicted to be tolerated by in silico analysis. Since supporting evidence is limited at this time, the clinical significance of this alteration remains unclear.

NM_198578.4(LRRK2):c.4063A>T (p.Met1355Leu)

Gene: LRRK2 (leucine rich repeat kinase 2; plus strand). Cytogenetic location: 12q12.
Variant type: single nucleotide variant.
Coding change: c.4063A>T on transcript NM_198578.4 (MANE Select); coding-DNA position 4063, A replaced by T.
Protein change: p.Met1355Leu; replaces methionine 1355 with leucine.
Molecular consequence: missense variant.
Genome position (GRCh38, 1-based): chr12:40,308,570, A>T. VCF-style: chr12-40308570-A-T. GRCh37 (hg19) VCF-style: chr12-40702372-A-T.
Other names: short protein forms M1355L.
Identifiers: ClinVar variation 2587272 (VCV002587272.2), dbSNP rs1302345880, ClinGen allele CA384417669.